The following is an entry in ClinVar:

ClinVar aggregate classification (germline): Likely pathogenic (1 of 4 stars; one submission).

Conditions:
Myopathy, lactic acidosis, and sideroblastic anemia. Also called: Mitochondrial myopathy and sideroblastic anemia; Myopathy with lactic acidosis and sideroblastic anemia. Identifiers: Orphanet 2598, MedGen C1838103, MONDO:0000863.

Submission:

Natera, Inc.
Classification: Likely pathogenic for Mitochondrial myopathy and sideroblastic anemia. Last evaluated: 2025-02-24. Review status: criteria provided, single submitter. Criteria: Natera Variant Classification Schema (03/2026). Collection method: clinical testing. Allele origin: germline.
Comment: The c.364_365insTG variant in PUS1 is a frameshift variant predicted to shift the reading frame beginning at codon 122 and leads to a stop codon 14 codons downstream. This variant is expected to result in nonsense mediated decay, truncation, or a dysfunctional protein product. This variant is rare in the general population with a frequency below the threshold expected for the associated phenotype(s). Given the available evidence, this variant is classified as Likely Pathogenic.

NM_025215.6(PUS1):c.364_365insTG (p.Arg122fs)

Genes: PUS1 (pseudouridine synthase 1; plus strand), LOC132090059 (Neanderthal introgressed variant-containing enhancer experimental_25941; plus strand). Cytogenetic location: 12q24.33.
Variant type: Insertion.
Coding change: c.364_365insTG on transcript NM_025215.6 (MANE Select); coding-DNA positions 364 to 365, TG inserted.
Protein change: p.Arg122fs; shifts the reading frame from arginine 122.
Molecular consequence: frameshift variant.
Genome position: GRCh38 VCF-style: chr12-131932235-C-CTG. GRCh37 (hg19) VCF-style: chr12-132416780-C-CTG.
Other names: c.280_281insTG, p.Arg94fs (NM_001002019.3, NM_001002020.3); short protein forms R122fs, R94fs.
Identifiers: ClinVar variation 4060577 (VCV004060577.2).